The following is an entry in ClinVar:

NM_138387.4(G6PC3):c.377T>C (p.Met126Thr)

Gene: G6PC3 (glucose-6-phosphatase catalytic subunit 3; plus strand). Cytogenetic location: 17q21.31.
Variant type: single nucleotide variant.
Coding change: c.377T>C on transcript NM_138387.4 (MANE Select); coding-DNA position 377, T replaced by C.
Protein change: p.Met126Thr; replaces methionine 126 with threonine.
Molecular consequence: missense variant.
Genome position (GRCh38, 1-based): chr17:44,074,731, T>C. VCF-style: chr17-44074731-T-C. GRCh37 (hg19) VCF-style: chr17-42152099-T-C.
Other names: c.377T>C, p.Met126Thr (NM_001319945.2); c.32T>C, p.Met11Thr (NM_001384165.1, NM_001384166.1, NM_001384167.1 and 1 more transcripts); short protein forms M126T, M11T.
Identifiers: ClinVar variation 323463 (VCV000323463.6), dbSNP rs886052986, ClinGen allele CA10639780.

ClinVar aggregate classification (germline): Uncertain significance. Review status: criteria provided, multiple submitters, no conflicts (2 of 4 stars). 2 submissions from 2 submitters: Uncertain significance (2). Last evaluated 2025-05-08.

Conditions:
Inborn genetic diseases. Identifiers: MedGen C0950123, MeSH D030342.
Autosomal recessive severe congenital neutropenia due to G6PC3 deficiency. Also called: NEUTROPENIA, SEVERE CONGENITAL, 4, AUTOSOMAL RECESSIVE; G6PC3 Deficiency. Identifiers: Orphanet 331176, MedGen C2751630, MONDO:0012930, OMIM 612541.

Submissions (2):

Ambry Genetics
Classification: Uncertain significance for Inborn genetic diseases. Last evaluated: 2025-05-08. Review status: criteria provided, single submitter. Criteria: Ambry Variant Classification Scheme 2023. Collection method: clinical testing. Allele origin: germline.
Comment: The p.M126T variant (also known as c.377T>C), located in coding exon 3 of the G6PC3 gene, results from a T to C substitution at nucleotide position 377. The methionine at codon 126 is replaced by threonine, an amino acid with similar properties. This amino acid position is conserved. In addition, this alteration is predicted to be tolerated by in silico analysis. Based on the available evidence, the clinical significance of this variant remains unclear.

Illumina Laboratory Services, Illumina
Classification: Uncertain significance for Autosomal recessive severe congenital neutropenia due to G6PC3 deficiency. Last evaluated: 2018-01-13. Review status: criteria provided, single submitter. Criteria: ICSL Variant Classification Criteria 13 December 2019. Collection method: clinical testing. Allele origin: germline.